The following is an entry in ClinVar:

NM_004990.4(MARS1):c.1754A>C (p.Glu585Ala)

Gene: MARS1 (methionyl-tRNA synthetase 1; plus strand). Cytogenetic location: 12q13.3.
Variant type: single nucleotide variant.
Coding change: c.1754A>C on transcript NM_004990.4 (MANE Select); coding-DNA position 1754, A replaced by C.
Protein change: p.Glu585Ala; replaces glutamic acid 585 with alanine.
Molecular consequence: missense variant.
Genome position (GRCh38, 1-based): chr12:57,512,751, A>C. VCF-style: chr12-57512751-A-C. GRCh37 (hg19) VCF-style: chr12-57906534-A-C.
Other names: short protein forms E585A.
Identifiers: ClinVar variation 2926976 (VCV002926976.3), dbSNP rs2540314763, ClinGen allele CA385462745.
Genomic context (GRCh38, chr12:57,512,751, plus strand): 5'-GCTAGAGAGGGGAAGGATGTGATGTGAGCAGATGGTTCTCACTCATTCTCCTCTGTCCAG[A>C]GTACCTGAACTATGAGGATGGGAAATTCTCTAAGAGCCGCGGTGTGGGAGTGTTTGGGGA-3'
Protein context (NP_004981.2, residues 575-595): YTLVSHLIAT[Glu585Ala]YLNYEDGKFS

ClinVar aggregate classification (germline): Uncertain significance (1 of 4 stars; one submission).

Conditions:
Charcot-Marie-Tooth disease axonal type 2U. Also called: CHARCOT-MARIE-TOOTH NEUROPATHY, TYPE 2U; CHARCOT-MARIE-TOOTH DISEASE, AXONAL, AUTOSOMAL DOMINANT, TYPE 2U. Identifiers: Orphanet 397735, MedGen C4084821, MONDO:0014566, OMIM 616280.
Severe early-onset pulmonary alveolar proteinosis due to MARS deficiency. Also called: PULMONARY ALVEOLAR PROTEINOSIS, REUNION ISLAND; Interstitial lung and liver disease. Identifiers: Orphanet 440427, MedGen C4225400, MONDO:0014206, OMIM 615486.

Allele frequency attached by ClinVar (database versions not stated): gnomAD exomes below 0.00001.
gnomAD v4.1: 2 of 1,613,182 alleles (0.00012%); highest among the groups gnomAD compares: Non-Finnish European, 0.00017%; no homozygotes.

Submission:

Labcorp Genetics (formerly Invitae), Labcorp
Classification: Uncertain significance for Charcot-Marie-Tooth disease axonal type 2U; Severe early-onset pulmonary alveolar proteinosis due to MARS deficiency. Last evaluated: 2023-12-19. Review status: criteria provided, single submitter. Criteria: Invitae Variant Classification Sherloc (09022015). Collection method: clinical testing. Allele origin: germline.
Comment: This sequence change replaces glutamic acid, which is acidic and polar, with alanine, which is neutral and non-polar, at codon 585 of the MARS protein (p.Glu585Ala). This variant is not present in population databases (gnomAD no frequency). This variant has not been reported in the literature in individuals affected with MARS-related conditions. An algorithm developed to predict the effect of missense changes on protein structure and function (PolyPhen-2) suggests that this variant is likely to be disruptive. In summary, the available evidence is currently insufficient to determine the role of this variant in disease. Therefore, it has been classified as a Variant of Uncertain Significance.